The following is an entry in ClinVar:

ClinVar aggregate classification (germline): Uncertain significance (1 of 4 stars; one submission).

Conditions:
Cohen syndrome (COH1). Also called: PEPPER SYNDROME; Cutis verticis gyrata, retinitis pigmentosa, and sensorineural deafness. Identifiers: Orphanet 193, MedGen C0265223, MONDO:0008999, OMIM 216550.

Submission:

Labcorp Genetics (formerly Invitae), Labcorp
Classification: Uncertain significance for Cohen syndrome. Last evaluated: 2023-10-03. Review status: criteria provided, single submitter. Criteria: Invitae Variant Classification Sherloc (09022015). Collection method: clinical testing. Allele origin: germline.
Comment: This sequence change replaces valine, which is neutral and non-polar, with leucine, which is neutral and non-polar, at codon 3898 of the VPS13B protein (p.Val3898Leu). This variant is not present in population databases (gnomAD no frequency). This variant has not been reported in the literature in individuals affected with VPS13B-related conditions. ClinVar contains an entry for this variant (Variation ID: 1461760). Advanced modeling of protein sequence and biophysical properties (such as structural, functional, and spatial information, amino acid conservation, physicochemical variation, residue mobility, and thermodynamic stability) performed at Invitae indicates that this missense variant is expected to disrupt VPS13B protein function. Algorithms developed to predict the effect of sequence changes on RNA splicing suggest that this variant may disrupt the consensus splice site. In summary, the available evidence is currently insufficient to determine the role of this variant in disease. Therefore, it has been classified as a Variant of Uncertain Significance.

NM_152564.5(VPS13B):c.11617G>C (p.Val3873Leu)

Gene: VPS13B (vacuolar protein sorting 13 homolog B; plus strand). Cytogenetic location: 8q22.2.
Variant type: single nucleotide variant.
Coding change: c.11617G>C on transcript NM_152564.5 (MANE Select); coding-DNA position 11617, G replaced by C.
Protein change: p.Val3873Leu; replaces valine 3873 with leucine.
Molecular consequence: missense variant.
Genome position (GRCh38, 1-based): chr8:99,871,569, G>C. VCF-style: chr8-99871569-G-C. GRCh37 (hg19) VCF-style: chr8-100883797-G-C.
Other names: c.11692G>C, p.Val3898Leu (NM_017890.5); short protein forms V3873L, V3898L.
Identifiers: ClinVar variation 1461760 (VCV001461760.8), dbSNP rs2130975617, ClinGen allele CA371794515.